The following is an entry in ClinVar:

NM_000214.3(JAG1):c.2652G>T (p.Gln884His)

Gene: JAG1 (jagged canonical Notch ligand 1; minus strand). Cytogenetic location: 20p12.2.
Variant type: single nucleotide variant.
Coding change: c.2652G>T on transcript NM_000214.3 (MANE Select); coding-DNA position 2652, G replaced by T.
Protein change: p.Gln884His; replaces glutamine 884 with histidine.
Molecular consequence: missense variant.
Genome position (GRCh38, 1-based): chr20:10,641,813, C>A on the plus strand (G>T on the coding strand, the complement: JAG1 is on the minus strand). VCF-style: chr20-10641813-C-A. GRCh37 (hg19) VCF-style: chr20-10622461-C-A.
Other names: short protein forms Q884H.
Identifiers: ClinVar variation 1794344 (VCV001794344.2), dbSNP rs373648665, ClinGen allele CA9764426.

ClinVar aggregate classification (germline): Uncertain significance (1 of 4 stars; one submission).

Conditions:
Cardiovascular phenotype. Identifiers: MedGen CN230736.

Allele frequency attached by ClinVar (database versions not stated): ExAC 0.00001; TOPMed 0.00001; ESP Exome Variant Server 0.00008.

Submission:

Ambry Genetics
Classification: Uncertain significance for Cardiovascular phenotype. Last evaluated: 2022-02-08. Review status: criteria provided, single submitter. Criteria: Ambry Variant Classification Scheme 2023. Collection method: clinical testing. Allele origin: germline.
Comment: The p.Q884H variant (also known as c.2652G>T), located in coding exon 22 of the JAG1 gene, results from a G to T substitution at nucleotide position 2652. The glutamine at codon 884 is replaced by histidine, an amino acid with highly similar properties. This amino acid position is conserved. In addition, this alteration is predicted to be tolerated by in silico analysis. Since supporting evidence is limited at this time, the clinical significance of this alteration remains unclear.